The following is an entry in ClinVar:

ClinVar aggregate classification (germline): Uncertain significance (1 of 4 stars; one submission).

Conditions:
LAMA2-related muscular dystrophy (LAMA2-RD). Also called: Laminin alpha 2-related dystrophy. Identifiers: MedGen C5679788, MONDO:0100228.

Allele frequency attached by ClinVar (database versions not stated): gnomAD 0.00001.
gnomAD v4.1: 1 of 1,613,952 alleles (0.000062%); highest among the groups gnomAD compares: African/African-American, 0.0013%; no homozygotes.

Submission:

Labcorp Genetics (formerly Invitae), Labcorp
Classification: Uncertain significance for LAMA2-related muscular dystrophy. Last evaluated: 2023-02-21. Review status: criteria provided, single submitter. Criteria: Invitae Variant Classification Sherloc (09022015). Collection method: clinical testing. Allele origin: germline.
Comment: This sequence change replaces threonine, which is neutral and polar, with asparagine, which is neutral and polar, at codon 2836 of the LAMA2 protein (p.Thr2836Asn). This variant is not present in population databases (gnomAD no frequency). This variant has not been reported in the literature in individuals affected with LAMA2-related conditions. Advanced modeling of protein sequence and biophysical properties (such as structural, functional, and spatial information, amino acid conservation, physicochemical variation, residue mobility, and thermodynamic stability) performed at Invitae indicates that this missense variant is not expected to disrupt LAMA2 protein function. In summary, the available evidence is currently insufficient to determine the role of this variant in disease. Therefore, it has been classified as a Variant of Uncertain Significance.

NM_000426.4(LAMA2):c.8507C>A (p.Thr2836Asn)

Gene: LAMA2 (laminin subunit alpha 2; plus strand). Cytogenetic location: 6q22.33.
Variant type: single nucleotide variant.
Coding change: c.8507C>A on transcript NM_000426.4 (MANE Select); coding-DNA position 8507, C replaced by A.
Protein change: p.Thr2836Asn; replaces threonine 2836 with asparagine.
Molecular consequence: missense variant.
Genome position (GRCh38, 1-based): chr6:129,503,240, C>A. VCF-style: chr6-129503240-C-A. GRCh37 (hg19) VCF-style: chr6-129824385-C-A.
Other names: c.8495C>A, p.Thr2832Asn (NM_001079823.2); short protein forms T2832N, T2836N.
Identifiers: ClinVar variation 2999154 (VCV002999154.3), dbSNP rs1785791981, ClinGen allele CA365634370.